The following is an entry in ClinVar:

ClinVar aggregate classification (germline): Uncertain significance (1 of 4 stars; one submission).

Submission:

Laboratory for Molecular Medicine, Mass General Brigham Personalized Medicine
Classification: Uncertain significance. Last evaluated: 2015-08-10. Review status: criteria provided, single submitter. Criteria: LMM Criteria. Collection method: clinical testing. Allele origin: germline. Observed: 1 variant allele.
Comment: The c.527-6T>G variant in EDA has not been previously reported in individuals wi th X-linked hypohidrotic ectodermal dysplasia (XLHED). Data from large populatio n studies is insufficient to assess the frequency of this variant. This variant is located in the 3' splice region. Computational tools do not provide strong ev idence for or against an impact to splicing. In summary, the clinical significan ce of the c.627-6T>G variant is uncertain.

NM_001399.5(EDA):c.527-6T>G

Gene: EDA (ectodysplasin A; plus strand). Cytogenetic location: Xq13.1.
Variant type: single nucleotide variant.
Coding change: c.527-6T>G on transcript NM_001399.5 (MANE Select); 6 bases into the intron before coding-DNA position 527, T replaced by G.
Molecular consequence: intron variant.
Genome position (GRCh38, 1-based): chrX:70,027,851, T>G. VCF-style: chrX-70027851-T-G. GRCh37 (hg19) VCF-style: chrX-69247701-T-G.
Other names: c.527-6T>G (NM_001005609.2, NM_001005612.3).
Identifiers: ClinVar variation 228658 (VCV000228658.4), dbSNP rs876657803, ClinGen allele CA10577175.